The following is an entry in ClinVar:

ClinVar aggregate classification (germline): Uncertain significance (1 of 4 stars; one submission).

Conditions:
HK1-related disorder. Also called: HK1-related condition; HK1-related disorders.

Submission:

PreventionGenetics, part of Exact Sciences
Classification: Uncertain significance for HK1-related condition. Last evaluated: 2023-08-25. Review status: criteria provided, single submitter. Criteria: ACMG Guidelines, 2015. Collection method: clinical testing. Allele origin: germline.
Comment: The HK1 c.388G>A variant is predicted to result in the amino acid substitution p.Val130Ile. To our knowledge, this variant has not been reported in the literature or in a large population database, indicating this variant is rare. At this time, the clinical significance of this variant is uncertain due to the absence of conclusive functional and genetic evidence.

NM_000188.3(HK1):c.388G>A (p.Val130Ile)

Gene: HK1 (hexokinase 1; plus strand). Cytogenetic location: 10q22.1.
Variant type: single nucleotide variant.
Coding change: c.388G>A on transcript NM_000188.3 (MANE Select); coding-DNA position 388, G replaced by A.
Protein change: p.Val130Ile; replaces valine 130 with isoleucine.
Molecular consequence: missense variant.
Genome position (GRCh38, 1-based): chr10:69,364,795, G>A. VCF-style: chr10-69364795-G-A. GRCh37 (hg19) VCF-style: chr10-71124551-G-A.
Other names: c.400G>A, p.Val134Ile (NM_001322364.2, NM_001358263.1, NM_033497.3 and 1 more transcripts); c.493G>A, p.Val165Ile (NM_001322365.2); c.304G>A, p.Val102Ile (NM_001322366.1); c.388G>A, p.Val130Ile (NM_001322367.1); c.385G>A, p.Val129Ile (NM_033496.3); c.352G>A, p.Val118Ile (NM_033500.2); short protein forms V102I, V118I, V129I, V130I, V134I, V165I.
Identifiers: ClinVar variation 2631164 (VCV002631164.1), dbSNP rs2540349629, ClinGen allele CA376912056.